The following is an entry in ClinVar:

NM_017649.5(CNNM2):c.2336A>G (p.Asn779Ser)

Gene: CNNM2 (cyclin and CBS domain divalent metal cation transport mediator 2; plus strand). Cytogenetic location: 10q24.32.
Variant type: single nucleotide variant.
Coding change: c.2336A>G on transcript NM_017649.5 (MANE Select); coding-DNA position 2336, A replaced by G.
Protein change: p.Asn779Ser; replaces asparagine 779 with serine.
Molecular consequence: missense variant.
Genome position (GRCh38, 1-based): chr10:103,076,188, A>G. VCF-style: chr10-103076188-A-G. GRCh37 (hg19) VCF-style: chr10-104835945-A-G.
Other names: c.2270A>G, p.Asn757Ser (NM_199076.3); short protein forms N757S, N779S.
Identifiers: ClinVar variation 916391 (VCV000916391.48), dbSNP rs201067221, ClinGen allele CA5670602.
Genomic context (GRCh38, chr10:103,076,188, plus strand): 5'-CAGACTCTCTCAGTCGAAGCGACCGGATTGACGCCGTCACACCAACACTGGGGAGCAGCA[A>G]TAACCAGCTCAATTCTTCGCTCCTCCAAGTCTACATCCCCGATTACTCGGTGCGAGCCCT-3'
Protein context (NP_060119.3, residues 769-789): DAVTPTLGSS[Asn779Ser]NQLNSSLLQV

ClinVar aggregate classification (germline): Conflicting classifications of pathogenicity. Review status: criteria provided, conflicting classifications (1 of 4 stars). 6 submissions from 6 submitters: Uncertain significance (5); Likely benign (1). Last evaluated 2026-06-07.

Conditions:
Hypomagnesemia, seizures, and impaired intellectual development 1. Also called: Hypomagnesemia, seizures, and intellectual disability 1. Identifiers: Orphanet 34527, MedGen C4225333, MONDO:0020787, OMIM 616418.
Renal hypomagnesemia 6. Identifiers: Orphanet 34527, MedGen C3151295, MONDO:0013480, OMIM 613882.

Allele frequency attached by ClinVar (database versions not stated): gnomAD exomes 0.00009 and 0.00030; gnomAD 0.00010 and 0.00009; ESP Exome Variant Server 0.00024; ExAC 0.00010; TOPMed 0.00011.
gnomAD v4.1: 463 of 1,600,590 alleles (0.029%); highest among the groups gnomAD compares: Non-Finnish European, 0.036%; no homozygotes.

Submissions (6):

Revvity Omics, Revvity
Classification: Likely benign. Last evaluated: 2026-06-07. Review status: criteria provided, single submitter. Criteria: ACMG Guidelines, 2015. Collection method: clinical testing. Allele origin: germline.

Labcorp Genetics (formerly Invitae), Labcorp
Classification: Uncertain significance. Last evaluated: 2025-10-08. Review status: criteria provided, single submitter. Criteria: Invitae Variant Classification Sherloc (09022015). Collection method: clinical testing. Allele origin: germline.
Comment: This sequence change replaces asparagine, which is neutral and polar, with serine, which is neutral and polar, at codon 779 of the CNNM2 protein (p.Asn779Ser). This variant is present in population databases (rs201067221, gnomAD 0.02%). This variant has not been reported in the literature in individuals affected with CNNM2-related conditions. ClinVar contains an entry for this variant (Variation ID: 916391). Invitae Evidence Modeling of protein sequence and biophysical properties (such as structural, functional, and spatial information, amino acid conservation, physicochemical variation, residue mobility, and thermodynamic stability) indicates that this missense variant is not expected to disrupt CNNM2 protein function with a negative predictive value of 80%. In summary, the available evidence is currently insufficient to determine the role of this variant in disease. Therefore, it has been classified as a Variant of Uncertain Significance.

CeGaT Center for Human Genetics Tuebingen
Classification: Uncertain significance. Last evaluated: 2023-06-01. Review status: criteria provided, single submitter. Criteria: CeGaT Center For Human Genetics Tuebingen Variant Classification Criteria Version 2. Collection method: clinical testing. Allele origin: germline. Affected: yes. Observed: 2 variant alleles.
Comment: CNNM2: PP2

Fulgent Genetics
Classification: Uncertain significance for Renal hypomagnesemia 6; Hypomagnesemia, seizures, and impaired intellectual development 1. Last evaluated: 2022-05-15. Review status: criteria provided, single submitter. Criteria: ACMG Guidelines, 2015. Collection method: clinical testing. Allele origin: unknown.

Department of Pathology and Laboratory Medicine, Sinai Health System
Classification: Uncertain significance for hypomagnesemia, seizures, and intellectual disability 1. Last evaluated: 2021-07-30. Review status: criteria provided, single submitter. Criteria: ACMG Guidelines, 2015. Collection method: research. Allele origin: germline.

GeneDx
Classification: Uncertain significance. Last evaluated: 2020-10-16. Review status: criteria provided, single submitter. Criteria: GeneDx Variant Classification Process June 2021. Collection method: clinical testing. Allele origin: germline. Affected: yes.
Comment: In silico analysis supports that this missense variant does not alter protein structure/function; Has not been previously published as pathogenic or benign to our knowledge